The following is an entry in ClinVar:

ClinVar aggregate classification (germline): Uncertain significance (1 of 4 stars; one submission).

Allele frequency attached by ClinVar (database versions not stated): gnomAD exomes below 0.00001.
gnomAD v4.1: 3 of 1,207,924 alleles (0.00025%); highest among the groups gnomAD compares: Non-Finnish European, 0.00034%; no homozygotes.

Submission:

Women's Health and Genetics/Laboratory Corporation of America, LabCorp
Classification: Uncertain significance. Last evaluated: 2024-04-26. Review status: criteria provided, single submitter. Criteria: LabCorp Variant Classification Summary - May 2015. Collection method: clinical testing. Allele origin: germline.
Comment: Variant summary: F8 c.3196C>T (p.His1066Tyr) results in a conservative amino acid change in the encoded protein sequence. Four of five in-silico tools predict a benign effect of the variant on protein function. The variant was absent in 182866 control chromosomes. The available data on variant occurrences in the general population are insufficient to allow any conclusion about variant significance. c.3196C>T has been reported in the literature in an individual affected with Factor VIII Deficiency (Hemophilia A) (Habart_2003). These data do not allow any conclusion about variant significance. An experimental study showed a markedly reduced FVIII antigen in cell lysates (Pahl_2014), however an in vivo mouse model showed only about 20% change in blood loss (Ogata_2011). The following publications have been ascertained in the context of this evaluation (PMID: 12871415, 26123021, 24108539). No submitters have cited clinical-significance assessments for this variant to ClinVar. Based on the evidence outlined above, the variant was classified as VUS-possibly pathogenic.

Literature cited by the submitters: PubMed 24108539; PubMed 12871415; PubMed 26123021; PubMed 21645226.

NM_000132.4(F8):c.3196C>T (p.His1066Tyr)

Gene: F8 (coagulation factor VIII; minus strand). Cytogenetic location: Xq28.
Variant type: single nucleotide variant.
Coding change: c.3196C>T on transcript NM_000132.4 (MANE Select); coding-DNA position 3196, C replaced by T.
Protein change: p.His1066Tyr; replaces histidine 1066 with tyrosine.
Molecular consequence: missense variant.
Genome position (GRCh38, 1-based): chrX:154,930,594, G>A on the plus strand (C>T on the coding strand, the complement: F8 is on the minus strand). VCF-style: chrX-154930594-G-A. GRCh37 (hg19) VCF-style: chrX-154158869-G-A.
Other names: short protein forms H1066Y.
Identifiers: ClinVar variation 3251664 (VCV003251664.1), dbSNP rs1196356883.